The following is an entry in ClinVar:

NM_000235.4(LIPA):c.1155G>C (p.Trp385Cys)

Gene: LIPA (lipase A, lysosomal acid type; minus strand). Cytogenetic location: 10q23.31.
Variant type: single nucleotide variant.
Coding change: c.1155G>C on transcript NM_000235.4 (MANE Select); coding-DNA position 1155, G replaced by C.
Protein change: p.Trp385Cys; replaces tryptophan 385 with cysteine.
Molecular consequence: missense variant.
Genome position (GRCh38, 1-based): chr10:89,214,873, C>G on the plus strand (G>C on the coding strand, the complement: LIPA is on the minus strand). VCF-style: chr10-89214873-C-G. GRCh37 (hg19) VCF-style: chr10-90974630-C-G.
Other names: c.1155G>C, p.Trp385Cys (NM_001127605.3); c.807G>C, p.Trp269Cys (NM_001288979.2); short protein forms W269C, W385C.
Identifiers: ClinVar variation 1735227 (VCV001735227.2), dbSNP rs1056356945, ClinGen allele CA211360520.

ClinVar aggregate classification (germline): Uncertain significance (1 of 4 stars; one submission).

Conditions:
Cardiovascular phenotype. Identifiers: MedGen CN230736.

Allele frequency attached by ClinVar (database versions not stated): gnomAD exomes below 0.00001.
gnomAD v4.1: 2 of 1,613,090 alleles (0.00012%); highest among the groups gnomAD compares: Non-Finnish European, 0.00017%; no homozygotes.

Submission:

Ambry Genetics
Classification: Uncertain significance for Cardiovascular phenotype. Last evaluated: 2021-08-07. Review status: criteria provided, single submitter. Criteria: Ambry Variant Classification Scheme 2023. Collection method: clinical testing. Allele origin: germline.
Comment: The p.W385C variant (also known as c.1155G>C), located in coding exon 9 of the LIPA gene, results from a G to C substitution at nucleotide position 1155. The tryptophan at codon 385 is replaced by cysteine, an amino acid with highly dissimilar properties. This amino acid position is conserved. In addition, this alteration is predicted to be tolerated by in silico analysis. Since supporting evidence is limited at this time, the clinical significance of this alteration remains unclear.